The following is an entry in ClinVar:

ClinVar aggregate classification (germline): Benign/Likely benign. Review status: criteria provided, multiple submitters, no conflicts (2 of 4 stars). 10 submissions from 10 submitters: Benign (8); Likely benign (1). 1 of the submissions does not count toward it. Last evaluated 2026-02-04.

Conditions:
Hereditary cancer-predisposing syndrome. Also called: Tumor predisposition; Hereditary neoplastic syndrome; Hereditary Cancer Syndrome; Neoplastic Syndromes, Hereditary. Identifiers: Orphanet 140162, MedGen C0027672, MeSH D009386, MONDO:0015356.
Oligodontia-cancer predisposition syndrome. Also called: TOOTH AGENESIS-COLORECTAL CANCER SYNDROME. Identifiers: Orphanet 300576, MedGen C1837750, MONDO:0012075, OMIM 608615. Disease mechanism: loss of function.

Allele frequency attached by ClinVar (database versions not stated): gnomAD exomes 0.11915; ExAC 0.12186; gnomAD 0.14718 and 0.14767; TOPMed 0.15339; ESP Exome Variant Server 0.15754; 1000 Genomes Project 30x 0.17333; 1000 Genomes Project 0.17412.
gnomAD v4.1: 183,230 of 1,613,254 alleles (11%); highest among the groups gnomAD compares: African/African-American, 25%; 11,689 homozygotes.

Submissions (10):

Labcorp Genetics (formerly Invitae), Labcorp
Classification: Benign for Oligodontia-cancer predisposition syndrome. Last evaluated: 2026-02-04. Review status: criteria provided, single submitter. Criteria: Invitae Variant Classification Sherloc (09022015). Collection method: clinical testing. Allele origin: germline.

Molecular Diagnostics Laboratory, Catalan Institute of Oncology
Classification: Benign for Hereditary cancer-predisposing syndrome. Last evaluated: 2025-08-25. Review status: criteria provided, single submitter. Criteria: ACMG Guidelines, 2015. Collection method: clinical testing. Allele origin: germline.
Comment: BA1 AXIN2 c.1712+19G>T, is an intronic variant at or beyond +7/ 21. The variant allele was found in 12704/115886 alleles, with a filtering allele frequency of 10.73% at 99% confidence, within the NFE population in the gnomAD v2.1.1 database (non-cancer data set) (BA1). Additional information has not been evaluated for this variant. Based on the currently available evidence, c.1712+19G>T is classified as a benign variant according to ACMG guidelines.

GeneKor MSA
Classification: Benign for Hereditary cancer-predisposing syndrome. Last evaluated: 2025-07-10. Review status: criteria provided, single submitter. Criteria: ACMG Guidelines, 2015. Collection method: clinical testing. Allele origin: germline.

Blueprint Genetics
Classification: Likely benign. Last evaluated: 2024-11-28. Review status: criteria provided, single submitter. Criteria: ACMG Guidelines, 2015. Collection method: clinical testing. Allele origin: germline.

KCCC/NGS Laboratory, Kuwait Cancer Control Center
Classification: Benign for Oligodontia-cancer predisposition syndrome. Last evaluated: 2023-07-07. Review status: criteria provided, single submitter. Criteria: ACMG Guidelines, 2015. Collection method: clinical testing. Allele origin: germline. Affected: yes.

Women's Health and Genetics/Laboratory Corporation of America, LabCorp
Classification: Benign. Last evaluated: 2016-04-27. Review status: criteria provided, single submitter. Criteria: LabCorp Variant Classification Summary - May 2015. Collection method: clinical testing. Allele origin: germline.
Comment: Variant summary: The variant of interest is located at a non-conserved intronic position, not widely known to affect splicing, with 5/5 in silico programs via Alamut predicting no significant effect on splicing, although these predictions have yet to be functionally assessed. The variant of interest has been observed in the large, broad control population, ExAC, with an allele frequency of 14771/121216 (1/8 including 1069 homozygotes), which exceeds the predicted maximum expected allele frequency for a pathogenic AXIN2 variant of 1/7037. The variant of interest has been reported in affected individuals via publications with a classification of "polymorphism." Therefore, taking all available lines of evidence into consideration, the variant of interest is classified as Benign.

GeneDx
Classification: Benign. Last evaluated: 2015-03-03. Review status: criteria provided, single submitter. Criteria: GeneDx Variant Classification Process June 2021. Collection method: clinical testing. Allele origin: germline. Affected: yes.

Breakthrough Genomics
Classification: Benign. Review status: criteria provided, single submitter. Criteria: ACMG Guidelines, 2015. Collection method: not provided. Allele origin: germline. Inheritance: Autosomal dominant inheritance. Affected: yes.

PreventionGenetics, part of Exact Sciences
Classification: Benign. Review status: criteria provided, single submitter. Criteria: ACMG Guidelines, 2015. Collection method: clinical testing. Allele origin: germline.

Mayo Clinic Laboratories, Mayo Clinic
Classification: Benign. Review status: no assertion criteria provided. Collection method: clinical testing. Allele origin: unknown. Not counted in ClinVar's aggregate classification.

Literature cited by the submitters: PubMed 16941501 (cited by Women's Health and Genetics/Laboratory Corporation of America, LabCorp).

NM_004655.4(AXIN2):c.1712+19G>T

Gene: AXIN2 (axin 2; minus strand). Cytogenetic location: 17q24.1.
Variant type: single nucleotide variant.
Coding change: c.1712+19G>T on transcript NM_004655.4 (MANE Select); 19 bases into the intron after coding-DNA position 1712, G replaced by T.
Molecular consequence: intron variant.
Genome position (GRCh38, 1-based): chr17:65,537,305, C>A on the plus strand (G>T on the coding strand, the complement: AXIN2 is on the minus strand). VCF-style: chr17-65537305-C-A. GRCh37 (hg19) VCF-style: chr17-63533423-C-A.
Other names: c.1712+19G>T (LRG_296t1, NM_001363813.1).
Identifiers: ClinVar variation 259512 (VCV000259512.20), dbSNP rs7219582, ClinGen allele CA8718570.
Genomic context (GRCh38, chr17:65,537,305, plus strand): 5'-GCTCCCACCTCACACCTGCCCATGGACCTGGCTGGGAGACAAGCCCCACACGGGACACTG[C>A]GGTCCGCCCGGCACTTACCCAAACTGCTCGCTGGGCATGGTTTCCGGAGCCTTGGAGTGG-3'